The following is an entry in ClinVar:

NM_000094.4(COL7A1):c.860_872dup (p.Ser291_Val292insTrpTer)

Gene: COL7A1 (collagen type VII alpha 1 chain; minus strand). Cytogenetic location: 3p21.31.
Variant type: Duplication.
Coding change: c.860_872dup on transcript NM_000094.4 (MANE Select); coding-DNA positions 860 to 872, 13 bases duplicated (CTGGTGAGACCAG).
Protein change: p.Ser291_Val292insTrpTer.
Molecular consequence: nonsense, inframe insertion. On other transcripts: frameshift variant (1).
Genome position (GRCh38, 1-based): chr3:48,592,674-48,592,686, CTGGTCTCACCAG duplicated on the plus strand (CTGGTGAGACCAG on the coding strand, the reverse complement: COL7A1 is on the minus strand); duplicating any 13 consecutive bases within chr3:48,592,674-48,592,690 gives the same sequence; the c. name uses the placement nearest the transcript's 3' end. VCF-style (leftmost placement, unchanged base first): chr3-48592673-A-ACTGGTCTCACCAG. GRCh37 (hg19) VCF-style: chr3-48630106-A-ACTGGTCTCACCAG.
Other names: c.860_872dup13 (NM_000094.3).
Identifiers: ClinVar variation 2636483 (VCV002636483.1), dbSNP rs2531333188, ClinGen allele CA2665624907.

ClinVar aggregate classification (germline): Likely pathogenic (1 of 4 stars; one submission).

Conditions:
COL7A1-related disorder. Also called: COL7A1- related disorders; COL7A1-related condition.

Submission:

PreventionGenetics, part of Exact Sciences
Classification: Likely pathogenic for COL7A1-related condition. Last evaluated: 2022-08-31. Review status: criteria provided, single submitter. Criteria: ACMG Guidelines, 2015. Collection method: clinical testing. Allele origin: germline.
Comment: The COL7A1 c.860_872dup13 variant is predicted to result in a frameshift and premature protein termination (p.Val292Trpfs*2). To our knowledge, this variant has not been reported in the literature or in a large population database, indicating this variant is rare. Frameshift variants in COL7A1 are expected to be pathogenic. This variant is interpreted as likely pathogenic.